The following is an entry in ClinVar:

ClinVar aggregate classification (germline): Conflicting classifications of pathogenicity. Review status: criteria provided, conflicting classifications (1 of 4 stars). 3 submissions from 3 submitters: Uncertain significance (2); Likely benign (1). Last evaluated 2023-12-07.

Conditions:
Inborn genetic diseases. Identifiers: MedGen C0950123, MeSH D030342.

Allele frequency attached by ClinVar (database versions not stated): gnomAD exomes 0.00003 and 0.00010; ExAC 0.00014; 1000 Genomes Project 30x 0.00016; 1000 Genomes Project 0.00020; gnomAD 0.00027 and 0.00031; TOPMed 0.00033; ESP Exome Variant Server 0.00082.
gnomAD v4.1: 83 of 1,614,146 alleles (0.0051%); highest among the groups gnomAD compares: African/African-American, 0.099%; no homozygotes.

Submissions (3):

Blueprint Genetics
Classification: Likely benign. Last evaluated: 2023-12-07. Review status: criteria provided, single submitter. Criteria: ACMG Guidelines, 2015. Collection method: clinical testing. Allele origin: germline.

Ambry Genetics
Classification: Uncertain significance for Inborn genetic diseases. Last evaluated: 2023-12-06. Review status: criteria provided, single submitter. Criteria: Ambry Variant Classification Scheme 2023. Collection method: clinical testing. Allele origin: germline.

Labcorp Genetics (formerly Invitae), Labcorp
Classification: Uncertain significance. Last evaluated: 2022-09-06. Review status: criteria provided, single submitter. Criteria: Invitae Variant Classification Sherloc (09022015). Collection method: clinical testing. Allele origin: germline.
Comment: This sequence change replaces serine, which is neutral and polar, with isoleucine, which is neutral and non-polar, at codon 1658 of the GPR179 protein (p.Ser1658Ile). This variant is present in population databases (rs201453815, gnomAD 0.1%). This variant has not been reported in the literature in individuals affected with GPR179-related conditions. ClinVar contains an entry for this variant (Variation ID: 1474654). Algorithms developed to predict the effect of missense changes on protein structure and function are either unavailable or do not agree on the potential impact of this missense change (SIFT: "Deleterious"; PolyPhen-2: "Possibly Damaging"; Align-GVGD: "Class C0"). In summary, the available evidence is currently insufficient to determine the role of this variant in disease. Therefore, it has been classified as a Variant of Uncertain Significance.

NM_001004334.4(GPR179):c.4973G>T (p.Ser1658Ile)

Gene: GPR179 (G protein-coupled receptor 179; minus strand). Cytogenetic location: 17q12.
Variant type: single nucleotide variant.
Coding change: c.4973G>T on transcript NM_001004334.4 (MANE Select); coding-DNA position 4973, G replaced by T.
Protein change: p.Ser1658Ile; replaces serine 1658 with isoleucine.
Molecular consequence: missense variant.
Genome position (GRCh38, 1-based): chr17:38,328,596, C>A on the plus strand (G>T on the coding strand, the complement: GPR179 is on the minus strand). VCF-style: chr17-38328596-C-A. GRCh37 (hg19) VCF-style: chr17-36484479-C-A.
Other names: c.4973G>T (NM_001004334.2); short protein forms S1658I.
Identifiers: ClinVar variation 1474654 (VCV001474654.5), dbSNP rs201453815, ClinGen allele CA290103817.